The following is an entry in ClinVar:

NM_000179.3(MSH6):c.3331A>C (p.Asn1111His)

Gene: MSH6 (mutS homolog 6; plus strand). Cytogenetic location: 2p16.3.
Variant type: single nucleotide variant.
Coding change: c.3331A>C on transcript NM_000179.3 (MANE Select); coding-DNA position 3331, A replaced by C.
Protein change: p.Asn1111His; replaces asparagine 1111 with histidine.
Molecular consequence: missense variant.
Genome position (GRCh38, 1-based): chr2:47,803,578, A>C. VCF-style: chr2-47803578-A-C. GRCh37 (hg19) VCF-style: chr2-48030717-A-C.
Other names: c.2941A>C, p.Asn981His (NM_001281492.2); c.2425A>C, p.Asn809His (NM_001281493.2, NM_001281494.2); short protein forms N1111H, N981H, N809H.
Identifiers: ClinVar variation 486896 (VCV000486896.20), dbSNP rs1553331582, ClinGen allele CA346758718.

ClinVar aggregate classification (germline): Uncertain significance. Review status: criteria provided, multiple submitters, no conflicts (2 of 4 stars). 4 submissions from 4 submitters: Uncertain significance (4). Last evaluated 2025-01-01.

Conditions:
Hereditary nonpolyposis colorectal neoplasms. Identifiers: MedGen C0009405, MeSH D003123.
Hereditary cancer-predisposing syndrome. Also called: Tumor predisposition; Hereditary Cancer Syndrome; Hereditary neoplastic syndrome; Neoplastic Syndromes, Hereditary. Identifiers: Orphanet 140162, MedGen C0027672, MeSH D009386, MONDO:0015356.

Submissions (4):

Labcorp Genetics (formerly Invitae), Labcorp
Classification: Uncertain significance for Hereditary nonpolyposis colorectal neoplasms. Last evaluated: 2025-01-01. Review status: criteria provided, single submitter. Criteria: Invitae Variant Classification Sherloc (09022015). Collection method: clinical testing. Allele origin: germline.
Comment: This sequence change replaces asparagine, which is neutral and polar, with histidine, which is basic and polar, at codon 1111 of the MSH6 protein (p.Asn1111His). This variant is not present in population databases (gnomAD no frequency). This variant has not been reported in the literature in individuals affected with MSH6-related conditions. ClinVar contains an entry for this variant (Variation ID: 486896). Invitae Evidence Modeling of protein sequence and biophysical properties (such as structural, functional, and spatial information, amino acid conservation, physicochemical variation, residue mobility, and thermodynamic stability) indicates that this missense variant is expected to disrupt MSH6 protein function with a positive predictive value of 95%. In summary, the available evidence is currently insufficient to determine the role of this variant in disease. Therefore, it has been classified as a Variant of Uncertain Significance.

Color Diagnostics, LLC DBA Color Health
Classification: Uncertain significance for Hereditary cancer-predisposing syndrome. Last evaluated: 2023-12-04. Review status: criteria provided, single submitter. Criteria: ACMG Guidelines, 2015. Collection method: clinical testing. Allele origin: germline.
Comment: This missense variant replaces asparagine with histidine at codon 1111 of the MSH6 protein. Computational prediction tools and conservation analyses are inconclusive regarding the impact of this variant on protein function. Computational splicing tools suggest that this variant may not impact RNA splicing. To our knowledge, functional assays have not been performed for this variant nor has this variant been reported in individuals affected with hereditary cancer in the literature. This variant has not been identified in the general population by the Genome Aggregation Database (gnomAD). Available evidence is insufficient to determine the role of this variant in disease conclusively. Therefore, this variant is classified as a Variant of Uncertain Significance.

Quest Diagnostics Nichols Institute San Juan Capistrano
Classification: Uncertain significance. Last evaluated: 2023-11-02. Review status: criteria provided, single submitter. Criteria: Quest Diagnostics criteria. Collection method: clinical testing. Allele origin: unknown.
Comment: The MSH6 c.3331A>C (p.Asn1111His) variant has not been reported in individuals with MSH6-related conditions in the published literature. It also has not been reported in large, multi-ethnic general populations (Genome Aggregation Database). Analysis of this variant using bioinformatics tools for the prediction of the effect of amino acid changes on protein structure and function yielded predictions that this variant is damaging. Based on the available information, we are unable to determine the clinical significance of this variant.

Ambry Genetics
Classification: Uncertain significance for Hereditary cancer-predisposing syndrome. Last evaluated: 2016-07-15. Review status: criteria provided, single submitter. Criteria: Ambry Variant Classification Scheme 2023. Collection method: clinical testing. Allele origin: germline.
Comment: The p.N1111H variant (also known as c.3331A>C), located in coding exon 5 of the MSH6 gene, results from an A to C substitution at nucleotide position 3331. The asparagine at codon 1111 is replaced by histidine, an amino acid with similar properties. This variant was not reported in population based cohorts in the following databases: Database of Single Nucleotide Polymorphisms (dbSNP), NHLBI Exome Sequencing Project (ESP), and 1000 Genomes Project. In the ESP, this variant was not observed in 6503 samples (13006 alleles) with coverage at this position. To date, this alteration has been detected with an allele frequency of approximately 0.001% (greater than 150000 alleles tested) in our clinical cohort. This amino acid position is highly conserved in available vertebrate species. In addition, this alteration is predicted to be deleterious by in silico analysis. In addition, the CoDP in silico tool predicts this alteration to likely impair molecular function, with a score of 0.954 (Terui H et al. J. Biomed. Sci. 2013;20:25). Since supporting evidence is limited at this time, the clinical significance of this alteration remains unclear.